The following is an entry in ClinVar:

ClinVar aggregate classification (germline): Benign/Likely benign. Review status: criteria provided, multiple submitters, no conflicts (2 of 4 stars). 5 submissions from 5 submitters: Benign (4); Likely benign (1). Last evaluated 2026-02-03.

Conditions:
Encephalopathy due to defective mitochondrial and peroxisomal fission 2 (EMPF2). Identifiers: Orphanet 485421, MedGen C4310726, MONDO:0014905, OMIM 617086.

Allele frequency attached by ClinVar (database versions not stated): ESP Exome Variant Server 0.00538; gnomAD 0.00556 and 0.00671; TOPMed 0.00649; gnomAD exomes 0.00823 and 0.01190; 1000 Genomes Project 30x 0.01062; 1000 Genomes Project 0.01098; ExAC 0.01221.
gnomAD v4.1: 13,304 of 1,613,630 alleles (0.82%); highest among the groups gnomAD compares: South Asian, 4.4%; 171 homozygotes.

Submissions (5):

Labcorp Genetics (formerly Invitae), Labcorp
Classification: Benign. Last evaluated: 2026-02-03. Review status: criteria provided, single submitter. Criteria: Invitae Variant Classification Sherloc (09022015). Collection method: clinical testing. Allele origin: germline.

Mayo Clinic Laboratories, Mayo Clinic
Classification: Benign. Last evaluated: 2022-11-16. Review status: criteria provided, single submitter. Criteria: ACMG Guidelines, 2015. Collection method: clinical testing. Allele origin: germline. Observed: 7 variant alleles.
Comment: BA1, BP4, BP7

Fulgent Genetics
Classification: Likely benign for Encephalopathy due to defective mitochondrial and peroxisomal fission 2. Last evaluated: 2021-08-12. Review status: criteria provided, single submitter. Criteria: ACMG Guidelines, 2015. Collection method: clinical testing. Allele origin: unknown.

GeneDx
Classification: Benign. Last evaluated: 2016-02-23. Review status: criteria provided, single submitter. Criteria: GeneDx Variant Classification (06012015). Collection method: clinical testing. Allele origin: germline. Affected: yes.
Comment: This variant is considered likely benign or benign based on one or more of the following criteria: it is a conservative change, it occurs at a poorly conserved position in the protein, it is predicted to be benign by multiple in silico algorithms, and/or has population frequency not consistent with disease.

Breakthrough Genomics
Classification: Benign. Review status: criteria provided, single submitter. Criteria: ACMG Guidelines, 2015. Collection method: not provided. Allele origin: germline. Inheritance: Autosomal recessive inheritance. Affected: yes.

NM_001277062.2(MFF):c.630C>A (p.Ala210=)

Gene: MFF (mitochondrial fission factor; plus strand). Cytogenetic location: 2q36.3.
Variant type: single nucleotide variant.
Coding change: c.630C>A on transcript NM_001277062.2 (MANE Select); coding-DNA position 630, C replaced by A.
Protein change: p.Ala210=; no amino-acid change (alanine 210 retained).
Molecular consequence: synonymous variant. On other transcripts: intron variant (4).
Genome position (GRCh38, 1-based): chr2:227,352,544, C>A. VCF-style: chr2-227352544-C-A. GRCh37 (hg19) VCF-style: chr2-228217260-C-A.
Other names: p.Ala261=; c.783C>A, p.Ala261= (NM_001277061.2, NM_020194.5); c.471C>A, p.Ala157= (NM_001277064.2); c.513C>A, p.Ala171= (NM_001277068.1); c.516-3133C>A (NM_001277063.2); c.441-3133C>A (NM_001277065.2, NM_001277066.2); c.450-3133C>A (NM_001277067.1).
Identifiers: ClinVar variation 382150 (VCV000382150.12), dbSNP rs140009845, ClinGen allele CA2148016.
Genomic context (GRCh38, chr2:227,352,544, plus strand): 5'-TGTGCCTTCTCCCGCAAAAACCTGCCTTAGACCTGTGTTGCGTGGTGGGTCTGCTGCCGC[C>A]ACTTCTAATCCTCATCATGACAACGTCAGGTAAATTTTGAGACTTCGTAATTACCAGGGT-3'
Protein context (NP_001263991.1, residues 200-220): RPVLRGGSAA[Ala210=]TSNPHHDNVR